The following is an entry in ClinVar:

NM_001367624.2(ZNF469):c.578C>A (p.Ser193Tyr)

Gene: ZNF469 (zinc finger protein 469; plus strand). Cytogenetic location: 16q24.2.
Variant type: single nucleotide variant.
Coding change: c.578C>A on transcript NM_001367624.2 (MANE Select); coding-DNA position 578, C replaced by A.
Protein change: p.Ser193Tyr; replaces serine 193 with tyrosine.
Molecular consequence: missense variant.
Genome position (GRCh38, 1-based): chr16:88,428,048, C>A. VCF-style: chr16-88428048-C-A. GRCh37 (hg19) VCF-style: chr16-88494456-C-A.
Other names: NM_001127464.1:c.578C>A; short protein forms S193Y.
Identifiers: ClinVar variation 451048 (VCV000451048.2), dbSNP rs1369047197, ClinGen allele CA397060870.

ClinVar aggregate classification (germline): Conflicting classifications of pathogenicity. Review status: criteria provided, conflicting classifications (1 of 4 stars). 2 submissions from 2 submitters: Uncertain significance (1); Likely benign (1). Last evaluated 2026-05-11.

Conditions:
Cardiovascular phenotype. Identifiers: MedGen CN230736.

Allele frequency attached by ClinVar (database versions not stated): gnomAD exomes 0.00001.

Submissions (2):

Ambry Genetics
Classification: Likely benign for Cardiovascular phenotype. Last evaluated: 2026-05-11. Review status: criteria provided, single submitter. Criteria: Ambry Variant Classification Scheme 2023. Collection method: clinical testing. Allele origin: germline.

GeneDx
Classification: Uncertain significance. Last evaluated: 2017-08-01. Review status: criteria provided, single submitter. Criteria: GeneDx Variant Classification (06012015). Collection method: clinical testing. Allele origin: germline. Affected: yes.
Comment: A variant of uncertain significance has been identified in the ZNF469 gene. The S193Y variant has not been published as pathogenic or been reported as benign to our knowledge. This variant is not observed in large population cohorts (Lek et al., 2016; 1000 Genomes Consortium et al., 2015; Exome Variant Server). The S193Y variant is a semi-conservative amino acid substitution, which may impact secondary protein structure as these residues differ in some properties. This substitution occurs at a position that is conserved in mammals. However, in silico analysis is inconsistent in its predictions as to whether or not the variant is damaging to the protein structure/function.